The following is an entry in ClinVar:

ClinVar aggregate classification (germline): Uncertain significance (1 of 4 stars; one submission).

Conditions:
Noonan syndrome 9 (NS9). Identifiers: Orphanet 648, MedGen C4225282, MONDO:0014691, OMIM 616559.

Allele frequency attached by ClinVar (database versions not stated): gnomAD 0.00001; ExAC 0.00001; 1000 Genomes Project 0.00020; 1000 Genomes Project 30x 0.00016.
gnomAD v4.1: 1 of 1,609,950 alleles (0.000062%); highest among the groups gnomAD compares: Non-Finnish European, 0.000085%; no homozygotes.

Submission:

Labcorp Genetics (formerly Invitae), Labcorp
Classification: Uncertain significance for Noonan syndrome 9. Last evaluated: 2025-08-11. Review status: criteria provided, single submitter. Criteria: Invitae Variant Classification Sherloc (09022015). Collection method: clinical testing. Allele origin: germline.
Comment: This sequence change replaces histidine, which is basic and polar, with glutamine, which is neutral and polar, at codon 154 of the SOS2 protein (p.His154Gln). This variant is present in population databases (rs528048319, gnomAD 0.0009%). This variant has not been reported in the literature in individuals affected with SOS2-related conditions. ClinVar contains an entry for this variant (Variation ID: 3023618). Invitae Evidence Modeling of protein sequence and biophysical properties (such as structural, functional, and spatial information, amino acid conservation, physicochemical variation, residue mobility, and thermodynamic stability) indicates that this missense variant is not expected to disrupt SOS2 protein function with a negative predictive value of 95%. In summary, the available evidence is currently insufficient to determine the role of this variant in disease. Therefore, it has been classified as a Variant of Uncertain Significance.

NM_006939.4(SOS2):c.462T>G (p.His154Gln)

Gene: SOS2 (SOS Ras/Rho guanine nucleotide exchange factor 2; minus strand). Cytogenetic location: 14q21.3.
Variant type: single nucleotide variant.
Coding change: c.462T>G on transcript NM_006939.4 (MANE Select); coding-DNA position 462, T replaced by G.
Protein change: p.His154Gln; replaces histidine 154 with glutamine.
Molecular consequence: missense variant.
Genome position (GRCh38, 1-based): chr14:50,199,739, A>C on the plus strand (T>G on the coding strand, the complement: SOS2 is on the minus strand). VCF-style: chr14-50199739-A-C. GRCh37 (hg19) VCF-style: chr14-50666457-A-C.
Other names: c.462T>G, p.His154Gln (NM_001411020.1); short protein forms H154Q.
Identifiers: ClinVar variation 3023618 (VCV003023618.3), dbSNP rs528048319, ClinGen allele CA7177521.